The following is an entry in ClinVar:

ClinVar aggregate classification (germline): Uncertain significance (1 of 4 stars; one submission).

Allele frequency attached by ClinVar (database versions not stated): gnomAD exomes below 0.00001.
gnomAD v4.1: 3 of 1,547,792 alleles (0.00019%); highest among the groups gnomAD compares: Non-Finnish European, 0.00026%; no homozygotes.

Submission:

Labcorp Genetics (formerly Invitae), Labcorp
Classification: Uncertain significance. Last evaluated: 2022-07-22. Review status: criteria provided, single submitter. Criteria: Invitae Variant Classification Sherloc (09022015). Collection method: clinical testing. Allele origin: germline.
Comment: In summary, the available evidence is currently insufficient to determine the role of this variant in disease. Therefore, it has been classified as a Variant of Uncertain Significance. Algorithms developed to predict the effect of missense changes on protein structure and function output the following: SIFT: "Tolerated"; PolyPhen-2: "Benign"; Align-GVGD: "Class C0". The asparagine amino acid residue is found in multiple mammalian species, which suggests that this missense change does not adversely affect protein function. This variant has not been reported in the literature in individuals affected with EYS-related conditions. This variant is not present in population databases (gnomAD no frequency). This sequence change replaces lysine, which is basic and polar, with asparagine, which is neutral and polar, at codon 668 of the EYS protein (p.Lys668Asn).

NM_001142800.2(EYS):c.2004G>C (p.Lys668Asn)

Gene: EYS (EGF-like photoreceptor maintenance factor; minus strand). Cytogenetic location: 6q12.
Variant type: single nucleotide variant.
Coding change: c.2004G>C on transcript NM_001142800.2 (MANE Select); coding-DNA position 2004, G replaced by C.
Protein change: p.Lys668Asn; replaces lysine 668 with asparagine.
Molecular consequence: missense variant.
Genome position (GRCh38, 1-based): chr6:65,295,882, C>G on the plus strand (G>C on the coding strand, the complement: EYS is on the minus strand). VCF-style: chr6-65295882-C-G. GRCh37 (hg19) VCF-style: chr6-66005775-C-G.
Other names: c.2004G>C, p.Lys668Asn (NM_001292009.2); short protein forms K668N.
Identifiers: ClinVar variation 1713393 (VCV001713393.5), dbSNP rs1768647597, ClinGen allele CA364659329.